The following is an entry in ClinVar:

ClinVar aggregate classification (germline): Uncertain significance (1 of 4 stars; one submission).

Submission:

Labcorp Genetics (formerly Invitae), Labcorp
Classification: Uncertain significance. Last evaluated: 2020-08-08. Review status: criteria provided, single submitter. Criteria: Invitae Variant Classification Sherloc (09022015). Collection method: clinical testing. Allele origin: germline.
Comment: This sequence change replaces leucine with tryptophan at codon 510 of the PLK4 protein (p.Leu510Trp). The leucine residue is moderately conserved and there is a small physicochemical difference between leucine and tryptophan. This variant is not present in population databases (ExAC no frequency). This variant has not been reported in the literature in individuals with PLK4-related conditions. Algorithms developed to predict the effect of missense changes on protein structure and function output the following: SIFT: Deleterious; PolyPhen-2: Benign; Align-GVGD: Class C0. The tryptophan amino acid residue is found in multiple mammalian species, suggesting that this missense change does not adversely affect protein function. These predictions have not been confirmed by published functional studies and their clinical significance is uncertain. In summary, the available evidence is currently insufficient to determine the role of this variant in disease. Therefore, it has been classified as a Variant of Uncertain Significance.

NM_014264.5(PLK4):c.1529T>G (p.Leu510Trp)

Gene: PLK4 (polo like kinase 4; plus strand). Cytogenetic location: 4q28.1.
Variant type: single nucleotide variant.
Coding change: c.1529T>G on transcript NM_014264.5 (MANE Select); coding-DNA position 1529, T replaced by G.
Protein change: p.Leu510Trp; replaces leucine 510 with tryptophan.
Molecular consequence: missense variant.
Genome position (GRCh38, 1-based): chr4:127,889,935, T>G. VCF-style: chr4-127889935-T-G. GRCh37 (hg19) VCF-style: chr4-128811090-T-G.
Other names: c.1433T>G, p.Leu478Trp (NM_001190799.2); c.1406T>G, p.Leu469Trp (NM_001190801.2); short protein forms L469W, L478W, L510W.
Identifiers: ClinVar variation 1001828 (VCV001001828.1), dbSNP rs1735285638, ClinGen allele CA358155544.